The following is an entry in ClinVar:

ClinVar aggregate classification (germline): Uncertain significance. Review status: criteria provided, multiple submitters, no conflicts (2 of 4 stars). 2 submissions from 2 submitters: Uncertain significance (2). Last evaluated 2024-02-21.

Allele frequency attached by ClinVar (database versions not stated): gnomAD 0.00001; gnomAD exomes 0.00001.
gnomAD v4.1: 18 of 1,596,134 alleles (0.0011%); highest among the groups gnomAD compares: Admixed American, 0.0034%; no homozygotes.

Submissions (2):

Blueprint Genetics
Classification: Uncertain significance. Last evaluated: 2024-02-21. Review status: criteria provided, single submitter. Criteria: ACMG Guidelines, 2015. Collection method: clinical testing. Allele origin: germline.

Labcorp Genetics (formerly Invitae), Labcorp
Classification: Uncertain significance. Last evaluated: 2024-02-17. Review status: criteria provided, single submitter. Criteria: Invitae Variant Classification Sherloc (09022015). Collection method: clinical testing. Allele origin: germline.
Comment: This sequence change replaces isoleucine, which is neutral and non-polar, with threonine, which is neutral and polar, at codon 69 of the RAB28 protein (p.Ile69Thr). This variant is present in population databases (no rsID available, gnomAD 0.003%). This variant has not been reported in the literature in individuals affected with RAB28-related conditions. ClinVar contains an entry for this variant (Variation ID: 1005069). An algorithm developed to predict the effect of missense changes on protein structure and function (PolyPhen-2) suggests that this variant is likely to be disruptive. In summary, the available evidence is currently insufficient to determine the role of this variant in disease. Therefore, it has been classified as a Variant of Uncertain Significance.

NM_001017979.3(RAB28):c.206T>C (p.Ile69Thr)

Gene: RAB28 (RAB28, member RAS oncogene family; minus strand). Cytogenetic location: 4p15.33.
Variant type: single nucleotide variant.
Coding change: c.206T>C on transcript NM_001017979.3 (MANE Select); coding-DNA position 206, T replaced by C.
Protein change: p.Ile69Thr; replaces isoleucine 69 with threonine.
Molecular consequence: missense variant.
Genome position (GRCh38, 1-based): chr4:13,474,373, A>G on the plus strand (T>C on the coding strand, the complement: RAB28 is on the minus strand). VCF-style: chr4-13474373-A-G. GRCh37 (hg19) VCF-style: chr4-13475997-A-G.
Other names: c.206T>C, p.Ile69Thr (NM_001159601.2, NM_004249.4); short protein forms I69T.
Identifiers: ClinVar variation 1005069 (VCV001005069.7), dbSNP rs1401637475, ClinGen allele CA356374338.